The following is an entry in ClinVar:

NM_004369.4(COL6A3):c.2533T>A (p.Ser845Thr)

Gene: COL6A3 (collagen type VI alpha 3 chain; minus strand). Cytogenetic location: 2q37.3.
Variant type: single nucleotide variant.
Coding change: c.2533T>A on transcript NM_004369.4 (MANE Select); coding-DNA position 2533, T replaced by A.
Protein change: p.Ser845Thr; replaces serine 845 with threonine.
Molecular consequence: missense variant.
Genome position (GRCh38, 1-based): chr2:237,377,309, A>T on the plus strand (T>A on the coding strand, the complement: COL6A3 is on the minus strand). VCF-style: chr2-237377309-A-T. GRCh37 (hg19) VCF-style: chr2-238285952-A-T.
Other names: c.1312T>A, p.Ser438Thr (NM_057164.5); c.1915T>A, p.Ser639Thr (NM_057165.5, NM_057167.4); c.712T>A, p.Ser238Thr (NM_057166.5); short protein forms S238T, S438T, S845T, S639T.
Identifiers: ClinVar variation 3006994 (VCV003006994.3), dbSNP rs899533762, ClinGen allele CA67825705.
Genomic context (GRCh38, chr2:237,377,309, plus strand): 5'-CATCGATAATCTTGTAGAGAAAGTCACGGACAACAGGGAACTGGCCCACAAGATTGGCTG[A>T]GCCGTCAAAGAGGAACAGAATGTCTCGCTTGCTCTCTGCAATGAAGGTAGATTAGGATAC-3'
Protein context (NP_004360.2, residues 835-855): KRDILFLFDG[Ser845Thr]ANLVGQFPVV

ClinVar aggregate classification (germline): Uncertain significance (1 of 4 stars; one submission).

Conditions:
Bethlem myopathy 1A. Also called: MYOPATHY, BENIGN CONGENITAL, WITH CONTRACTURES; Bethlem myopathy 1; Bethlem Muscular Dystrophy. Identifiers: Orphanet 610, MedGen CN029274, MONDO:0024530, OMIM 158810.

Allele frequency attached by ClinVar (database versions not stated): gnomAD exomes 0.00001; TOPMed 0.00001.
gnomAD v4.1: 5 of 1,601,562 alleles (0.00031%); highest among the groups gnomAD compares: Admixed American, 0.0083%; no homozygotes.

Submission:

Labcorp Genetics (formerly Invitae), Labcorp
Classification: Uncertain significance for Bethlem myopathy 1A. Last evaluated: 2024-07-24. Review status: criteria provided, single submitter. Criteria: Invitae Variant Classification Sherloc (09022015). Collection method: clinical testing. Allele origin: germline.
Comment: This sequence change replaces serine, which is neutral and polar, with threonine, which is neutral and polar, at codon 845 of the COL6A3 protein (p.Ser845Thr). This variant is present in population databases (no rsID available, gnomAD 0.01%). This variant has not been reported in the literature in individuals affected with COL6A3-related conditions. Advanced modeling of protein sequence and biophysical properties (such as structural, functional, and spatial information, amino acid conservation, physicochemical variation, residue mobility, and thermodynamic stability) performed at Invitae indicates that this missense variant is not expected to disrupt COL6A3 protein function with a negative predictive value of 80%. In summary, the available evidence is currently insufficient to determine the role of this variant in disease. Therefore, it has been classified as a Variant of Uncertain Significance.